The following is an entry in ClinVar:

NM_207361.6(FREM2):c.5926del (p.Thr1976fs)

Gene: FREM2 (FRAS1 related extracellular matrix 2; plus strand). Cytogenetic location: 13q13.3.
Variant type: Deletion.
Coding change: c.5926del on transcript NM_207361.6 (MANE Select); coding-DNA position 5926, one base deleted (A; older notation c.5926delA).
Protein change: p.Thr1976fs; shifts the reading frame from threonine 1976.
Molecular consequence: frameshift variant.
Genome position (GRCh38, 1-based): chr13:38,784,715, A deleted; the last of 3 consecutive A bases (chr13:38,784,713-38,784,715); deleting any one gives the same sequence. VCF-style (leftmost placement, unchanged base first): chr13-38784712-GA-G. GRCh37 (hg19) VCF-style: chr13-39358849-GA-G.
Other names: short protein forms T1976fs.
Identifiers: ClinVar variation 2863888 (VCV002863888.3), dbSNP rs771741876, ClinGen allele CA6955386.

ClinVar aggregate classification (germline): Pathogenic (1 of 4 stars; one submission).

Submission:

Labcorp Genetics (formerly Invitae), Labcorp
Classification: Pathogenic. Last evaluated: 2023-05-13. Review status: criteria provided, single submitter. Criteria: Invitae Variant Classification Sherloc (09022015). Collection method: clinical testing. Allele origin: germline.
Comment: This variant has not been reported in the literature in individuals affected with FREM2-related conditions. For these reasons, this variant has been classified as Pathogenic. This sequence change creates a premature translational stop signal (p.Thr1976Profs*6) in the FREM2 gene. It is expected to result in an absent or disrupted protein product. Loss-of-function variants in FREM2 are known to be pathogenic (PMID: 18203166, 26552811). This variant is not present in population databases (gnomAD no frequency).

Literature cited by the submitters: PubMed 18203166; PubMed 26552811.